The following is an entry in ClinVar:

ClinVar aggregate classification (germline): Pathogenic (1 of 4 stars; one submission).

gnomAD v4.1: 1 of 1,614,166 alleles (0.000062%); no homozygotes.

Submission:

Labcorp Genetics (formerly Invitae), Labcorp
Classification: Pathogenic. Last evaluated: 2026-01-19. Review status: criteria provided, single submitter. Criteria: Invitae Variant Classification Sherloc (09022015). Collection method: clinical testing. Allele origin: germline.
Comment: This sequence change creates a premature translational stop signal (p.Gln190*) in the FECH gene. It is expected to result in an absent or disrupted protein product. Loss-of-function variants in FECH are known to be pathogenic (PMID: 20105171, 23016163, 23364466). This variant is not present in population databases (gnomAD no frequency). This variant has not been reported in the literature in individuals affected with FECH-related conditions. For these reasons, this variant has been classified as Pathogenic.

Literature cited by the submitters: PubMed 20105171; PubMed 23016163; PubMed 23364466.

NM_000140.5(FECH):c.568C>T (p.Gln190Ter)

Gene: FECH (ferrochelatase; minus strand). Cytogenetic location: 18q21.31.
Variant type: single nucleotide variant.
Coding change: c.568C>T on transcript NM_000140.5 (MANE Select); coding-DNA position 568, C replaced by T.
Protein change: p.Gln190Ter; replaces glutamine 190 with a stop codon.
Molecular consequence: nonsense.
Genome position (GRCh38, 1-based): chr18:57,566,477, G>A on the plus strand (C>T on the coding strand, the complement: FECH is on the minus strand). VCF-style: chr18-57566477-G-A. GRCh37 (hg19) VCF-style: chr18-55233709-G-A.
Other names: c.586C>T, p.Gln196Ter (NM_001012515.4); c.568C>T, p.Gln190Ter (NM_001371094.1, NM_001374778.1); c.352C>T, p.Gln118Ter (NM_001371095.1); short protein forms Q196*, Q190*, Q118*.
Identifiers: ClinVar variation 4735775 (VCV004735775.1).
Genomic context (GRCh38, chr18:57,566,477, plus strand): 5'-ACCTTTCCACTGTCAGAGAGATGCCCTTACCTGTGGTGGAGCAGCTGTACTGTGGATACT[G>A]TGTGAAAGCAATAGCCCTTTCTAGGCCATCTCTCTCCATCTCTTCAATTGCTTCTTCTGT-3'